The following is an entry in ClinVar:

ClinVar aggregate classification (germline): Uncertain significance. Review status: criteria provided, multiple submitters, no conflicts (2 of 4 stars). 2 submissions from 2 submitters: Uncertain significance (2). Last evaluated 2022-05-03.

Conditions:
COG7 congenital disorder of glycosylation (CDG2E). Also called: CONGENITAL DISORDER OF GLYCOSYLATION, TYPE IIe; CDG IIe. Identifiers: Orphanet 79333, MedGen C2931010, MONDO:0012118, OMIM 608779.

Allele frequency attached by ClinVar (database versions not stated): gnomAD exomes 0.00002 and 0.00004; gnomAD 0.00003; TOPMed 0.00003; ExAC 0.00006.
gnomAD v4.1: 26 of 1,614,006 alleles (0.0016%); highest among the groups gnomAD compares: African/African-American, 0.004%; no homozygotes.

Submissions (2):

Labcorp Genetics (formerly Invitae), Labcorp
Classification: Uncertain significance for COG7 congenital disorder of glycosylation. Last evaluated: 2022-05-03. Review status: criteria provided, single submitter. Criteria: Invitae Variant Classification Sherloc (09022015). Collection method: clinical testing. Allele origin: germline.
Comment: This sequence change replaces arginine, which is basic and polar, with tryptophan, which is neutral and slightly polar, at codon 766 of the COG7 protein (p.Arg766Trp). This variant is present in population databases (rs112011340, gnomAD 0.008%). This missense change has been observed in individual(s) with clinical features of COG7-related conditions (PMID: 31785789). ClinVar contains an entry for this variant (Variation ID: 318461). Algorithms developed to predict the effect of missense changes on protein structure and function are either unavailable or do not agree on the potential impact of this missense change (SIFT: "Deleterious"; PolyPhen-2: "Probably Damaging"; Align-GVGD: "Class C0"). In summary, the available evidence is currently insufficient to determine the role of this variant in disease. Therefore, it has been classified as a Variant of Uncertain Significance.

Illumina Laboratory Services, Illumina
Classification: Uncertain significance for COG7 congenital disorder of glycosylation. Last evaluated: 2018-01-13. Review status: criteria provided, single submitter. Criteria: ICSL Variant Classification Criteria 13 December 2019. Collection method: clinical testing. Allele origin: germline.

Literature cited by the submitters: PubMed 31785789 (cited by Labcorp Genetics (formerly Invitae), Labcorp).

NM_153603.4(COG7):c.2296C>T (p.Arg766Trp)

Gene: COG7 (component of oligomeric golgi complex 7; minus strand). Cytogenetic location: 16p12.2.
Variant type: single nucleotide variant.
Coding change: c.2296C>T on transcript NM_153603.4 (MANE Select); coding-DNA position 2296, C replaced by T.
Protein change: p.Arg766Trp; replaces arginine 766 with tryptophan.
Molecular consequence: missense variant.
Genome position (GRCh38, 1-based): chr16:23,388,937, G>A on the plus strand (C>T on the coding strand, the complement: COG7 is on the minus strand). VCF-style: chr16-23388937-G-A. GRCh37 (hg19) VCF-style: chr16-23400258-G-A.
Other names: short protein forms R766W.
Identifiers: ClinVar variation 318461 (VCV000318461.6), dbSNP rs112011340, ClinGen allele CA7960712.
Genomic context (GRCh38, chr16:23,388,937, plus strand): 5'-AACAGCAGCCCTGGCTCTCTTGGTGGTCCGGTGTGTGGTGGGGTCAGTAATTCACACTCC[G>A]CATGGTGGCCACGGTGGTGGCCAGGCGACGGGGCAGGCCTTTGCTGACCTGTCTATAGTC-3'
Protein context (NP_705831.1, residues 756-770): RRLATTVATM[Arg766Trp]SVNY